The following is an entry in ClinVar:

NM_001371194.2(SEMA4D):c.1581G>A (p.Ala527=)

Gene: SEMA4D (semaphorin 4D; minus strand). Cytogenetic location: 9q22.2.
Variant type: single nucleotide variant.
Coding change: c.1581G>A on transcript NM_001371194.2 (MANE Select); coding-DNA position 1581, G replaced by A.
Protein change: p.Ala527=; no amino-acid change (alanine 527 retained).
Molecular consequence: synonymous variant.
Genome position (GRCh38, 1-based): chr9:89,381,212, C>T on the plus strand (G>A on the coding strand, the complement: SEMA4D is on the minus strand). VCF-style: chr9-89381212-C-T. GRCh37 (hg19) VCF-style: chr9-91996127-C-T.
Other names: c.1581G>A, p.Ala527= (NM_001142287.2, NM_001371195.1, NM_001371196.1 and 7 more transcripts).
Identifiers: ClinVar variation 3049570 (VCV003049570.9), dbSNP rs138859126, ClinGen allele CA5118318.

ClinVar aggregate classification (germline): Likely benign. Review status: criteria provided, single submitter (1 of 4 stars). 2 submissions from 2 submitters: Likely benign (1). 1 of the submissions does not count toward it. Last evaluated 2025-09-01.

Conditions:
SEMA4D-related disorder. Also called: SEMA4D-related condition.

Allele frequency attached by ClinVar (database versions not stated): TOPMed 0.00019; ESP Exome Variant Server 0.00038; 1000 Genomes Project 30x 0.00078; 1000 Genomes Project 0.00100; ExAC 0.00250; gnomAD 0.00256.

Submissions (2):

CeGaT Center for Human Genetics Tuebingen
Classification: Likely benign. Last evaluated: 2025-09-01. Review status: criteria provided, single submitter. Criteria: CeGaT Center For Human Genetics Tuebingen Variant Classification Criteria Version 2. Collection method: clinical testing. Allele origin: germline. Affected: yes. Observed: 1 variant allele.
Comment: SEMA4D: BP4, BP7

PreventionGenetics, part of Exact Sciences
Classification: Benign for SEMA4D-related condition. Last evaluated: 2019-07-22. Review status: no assertion criteria provided. Collection method: clinical testing. Allele origin: germline. Not counted in ClinVar's aggregate classification.
Comment: This variant is classified as benign based on ACMG/AMP sequence variant interpretation guidelines (Richards et al. 2015 PMID: 25741868, with internal and published modifications).